The following is an entry in ClinVar:

ClinVar aggregate classification (germline): Likely pathogenic (1 of 4 stars; one submission).

Conditions:
MYH7-related disorder. Also called: MYH7-related disorders; MYH7-related condition; MYH7-related disease.

Submission:

PreventionGenetics, part of Exact Sciences
Classification: Likely pathogenic for MYH7-related condition. Last evaluated: 2024-11-18. Review status: criteria provided, single submitter. Criteria: ACMG Guidelines, 2015. Collection method: clinical testing. Allele origin: germline.
Comment: The MYH7 c.1255C>G variant is predicted to result in the amino acid substitution p.Gln419Glu. To our knowledge, this variant has not been reported in the literature or in a large population database (gnomAD), indicating this variant is rare. This variant is interpreted as likely pathogenic.

NM_000257.4(MYH7):c.1255C>G (p.Gln419Glu)

Gene: MYH7 (myosin heavy chain 7; minus strand). Cytogenetic location: 14q11.2.
Variant type: single nucleotide variant.
Coding change: c.1255C>G on transcript NM_000257.4 (MANE Select); coding-DNA position 1255, C replaced by G.
Protein change: p.Gln419Glu; replaces glutamine 419 with glutamic acid.
Molecular consequence: missense variant.
Genome position (GRCh38, 1-based): chr14:23,429,231, G>C on the plus strand (C>G on the coding strand, the complement: MYH7 is on the minus strand). VCF-style: chr14-23429231-G-C. GRCh37 (hg19) VCF-style: chr14-23898440-G-C.
Other names: c.1255C>G, p.Gln419Glu (NM_001407004.1); short protein forms Q419E.
Identifiers: ClinVar variation 5000619 (VCV005000619.1).
Genomic context (GRCh38, chr14:23,429,231, plus strand): 5'-TCCCACCATGCCAGTCTCCCTACCCTGCCCACCCATTATCATCTGAAGATGGACCCACCT[G>C]CTGGACATTCTGCCCCTTGGTGACGTACTCATTGCCCACTTTCACCCGAGGGTGGCACAG-3'
Protein context (NP_000248.2, residues 409-429): EYVTKGQNVQ[Gln419Glu]VIYATGALAK